The following is an entry in ClinVar:

ClinVar aggregate classification (germline): Uncertain significance. Review status: criteria provided, multiple submitters, no conflicts (2 of 4 stars). 2 submissions from 2 submitters: Uncertain significance (2). Last evaluated 2026-03-12.

Conditions:
Dilated cardiomyopathy 1J (CMD1J). Also called: CARDIOMYOPATHY, DILATED, WITH SENSORINEURAL HEARING LOSS, AUTOSOMAL DOMINANT. Identifiers: Orphanet 217622, MedGen C1854368, MONDO:0011541, OMIM 605362.
Cardiovascular phenotype. Identifiers: MedGen CN230736.

Submissions (2):

Ambry Genetics
Classification: Uncertain significance for Cardiovascular phenotype. Last evaluated: 2026-03-12. Review status: criteria provided, single submitter. Criteria: Ambry Variant Classification Scheme 2023. Collection method: clinical testing. Allele origin: germline.
Comment: The p.P191T variant (also known as c.571C>A), located in coding exon 7 of the EYA4 gene, results from a C to A substitution at nucleotide position 571. The proline at codon 191 is replaced by threonine, an amino acid with highly similar properties. This amino acid position is conserved. In addition, the in silico prediction for this alteration is inconclusive. Based on the available evidence, the clinical significance of this variant remains unclear.

Labcorp Genetics (formerly Invitae), Labcorp
Classification: Uncertain significance for Dilated cardiomyopathy 1J. Last evaluated: 2024-09-06. Review status: criteria provided, single submitter. Criteria: Invitae Variant Classification Sherloc (09022015). Collection method: clinical testing. Allele origin: germline.
Comment: This sequence change replaces proline, which is neutral and non-polar, with threonine, which is neutral and polar, at codon 191 of the EYA4 protein (p.Pro191Thr). This variant is not present in population databases (gnomAD no frequency). This variant has not been reported in the literature in individuals affected with EYA4-related conditions. Invitae Evidence Modeling of protein sequence and biophysical properties (such as structural, functional, and spatial information, amino acid conservation, physicochemical variation, residue mobility, and thermodynamic stability) indicates that this missense variant is not expected to disrupt EYA4 protein function with a negative predictive value of 80%. In summary, the available evidence is currently insufficient to determine the role of this variant in disease. Therefore, it has been classified as a Variant of Uncertain Significance.

NM_004100.5(EYA4):c.571C>A (p.Pro191Thr)

Gene: EYA4 (EYA transcriptional coactivator and phosphatase 4; plus strand). Cytogenetic location: 6q23.2.
Variant type: single nucleotide variant.
Coding change: c.571C>A on transcript NM_004100.5 (MANE Select); coding-DNA position 571, C replaced by A.
Protein change: p.Pro191Thr; replaces proline 191 with threonine.
Molecular consequence: missense variant.
Genome position (GRCh38, 1-based): chr6:133,462,468, C>A. VCF-style: chr6-133462468-C-A. GRCh37 (hg19) VCF-style: chr6-133783606-C-A.
Other names: c.571C>A, p.Pro191Thr (NM_172105.4, NM_001301013.2); c.571C>A (NM_004100.4); c.409C>A, p.Pro137Thr (NM_001301012.2, NM_001370459.1); c.502C>A, p.Pro168Thr (NM_001370458.1, NM_172103.4); short protein forms P137T, P168T, P191T.
Identifiers: ClinVar variation 3706981 (VCV003706981.3).